The following is an entry in ClinVar:

NM_021971.4(GMPPB):c.1019G>C (p.Gly340Ala)

Gene: GMPPB (GDP-mannose pyrophosphorylase B; minus strand). Cytogenetic location: 3p21.31.
Variant type: single nucleotide variant.
Coding change: c.1019G>C on transcript NM_021971.4 (MANE Select); coding-DNA position 1019, G replaced by C.
Protein change: p.Gly340Ala; replaces glycine 340 with alanine.
Molecular consequence: missense variant.
Genome position (GRCh38, 1-based): chr3:49,721,816, C>G on the plus strand (G>C on the coding strand, the complement: GMPPB is on the minus strand). VCF-style: chr3-49721816-C-G. GRCh37 (hg19) VCF-style: chr3-49759249-C-G.
Other names: c.1100G>C, p.Gly367Ala (NM_013334.4); short protein forms G340A, G367A.
Identifiers: ClinVar variation 4785992 (VCV004785992.1).

ClinVar aggregate classification (germline): Uncertain significance (1 of 4 stars; one submission).

Conditions:
Muscular dystrophy-dystroglycanopathy (congenital with impaired intellectual development), type B, 14. Also called: MUSCULAR DYSTROPHY, CONGENITAL, GMPPB-RELATED; Congenital muscular dystrophy-dystroglycanopathy with mental retardation, type B14; Muscular dystrophy-dystroglycanopathy (congenital with intellectual disability), type B14. Identifiers: MedGen C3809221, MONDO:0014141, OMIM 615351.
Muscular dystrophy-dystroglycanopathy (congenital with brain and eye anomalies), type A14. Also called: WALKER-WARBURG SYNDROME OR MUSCLE-EYE-BRAIN DISEASE, GMPPB-RELATED; Muscular dystrophy-dystroglycanopathy (congenital with brain and eye anomalies), type a, 14; Congenital Muscular Dystrophy-Dystroglycanopathy with Brain and Eye Anomalies Type A 14; Congenital muscular dystrophy-dystroglycanopathy with brain and eye anomalies, type A14. Identifiers: Orphanet 588, MedGen C3809216, MONDO:0014140, OMIM 615350.
Autosomal recessive limb-girdle muscular dystrophy type 2T. Also called: MUSCULAR DYSTROPHY-DYSTROGLYCANOPATHY, LIMB-GIRDLE, GMPPB-RELATED; MUSCULAR DYSTROPHY, LIMB-GIRDLE, TYPE 2T; Muscular dystrophy-dystroglycanopathy (limb-girdle), type c, 14; Limb-girdle muscular dystrophy-dystroglycanopathy, type C14. Identifiers: Orphanet 363623, MedGen C4518000, MONDO:0014142, OMIM 615352.

Submission:

Labcorp Genetics (formerly Invitae), Labcorp
Classification: Uncertain significance for Autosomal recessive limb-girdle muscular dystrophy type 2T; Muscular dystrophy-dystroglycanopathy (congenital with brain and eye anomalies), type A14; Muscular dystrophy-dystroglycanopathy (congenital with impaired intellectual development), type B, 14. Last evaluated: 2025-10-15. Review status: criteria provided, single submitter. Criteria: Invitae Variant Classification Sherloc (09022015). Collection method: clinical testing. Allele origin: germline.
Comment: This sequence change replaces glycine, which is neutral and non-polar, with alanine, which is neutral and non-polar, at codon 340 of the GMPPB protein (p.Gly340Ala). This variant is not present in population databases (gnomAD no frequency). This variant has not been reported in the literature in individuals affected with GMPPB-related conditions. An algorithm developed to predict the effect of missense changes on protein structure and function (PolyPhen-2) suggests that this variant is likely to be disruptive. In summary, the available evidence is currently insufficient to determine the role of this variant in disease. Therefore, it has been classified as a Variant of Uncertain Significance.